The following is an entry in ClinVar:

NM_002855.5(NECTIN1):c.*2751G>A

Gene: NECTIN1 (nectin cell adhesion molecule 1; minus strand). Cytogenetic location: 11q23.3.
Variant type: single nucleotide variant.
Coding change: c.*2751G>A on transcript NM_002855.5 (MANE Select); 2751 bases downstream of the stop codon, G replaced by A.
Molecular consequence: 3 prime UTR variant. On other transcripts: intron variant (1).
Genome position (GRCh38, 1-based): chr11:119,661,996, C>T on the plus strand (G>A on the coding strand, the complement: NECTIN1 is on the minus strand). VCF-style: chr11-119661996-C-T. GRCh37 (hg19) VCF-style: chr11-119532706-C-T.
Other names: c.1003+13163G>A (NM_203285.2).
Identifiers: ClinVar variation 877300 (VCV000877300.30), dbSNP rs368910346, ClinGen allele CA229719450.

ClinVar aggregate classification (germline): Conflicting classifications of pathogenicity. Review status: criteria provided, conflicting classifications (1 of 4 stars). 3 submissions from 3 submitters: Uncertain significance (2); Likely benign (1). Last evaluated 2023-02-01.

Conditions:
Cleft lip/palate-ectodermal dysplasia syndrome (CLPED1). Also called: ECTODERMAL DYSPLASIA, CLEFT LIP AND PALATE, MENTAL RETARDATION, AND SYNDACTYLY; ECTODERMAL DYSPLASIA, MARGARITA ISLAND TYPE; ECTODERMAL DYSPLASIA, TYPE 4; ZLOTOGORA-OGUR SYNDROME; Zlotogora syndrome. Identifiers: Orphanet 3253, MedGen C2931488, MONDO:0009151, OMIM 225060.

Allele frequency attached by ClinVar (database versions not stated): 1000 Genomes Project 0.00040; 1000 Genomes Project 30x 0.00047; TOPMed 0.00316; gnomAD 0.00320 and 0.00332; gnomAD exomes 0.00672.
gnomAD v4.1: 6,061 of 985,204 alleles (0.62%); highest among the groups gnomAD compares: Non-Finnish European, 0.7%; 21 homozygotes.

Submissions (3):

CeGaT Center for Human Genetics Tuebingen
Classification: Likely benign. Last evaluated: 2023-02-01. Review status: criteria provided, single submitter. Criteria: CeGaT Center For Human Genetics Tuebingen Variant Classification Criteria Version 2. Collection method: clinical testing. Allele origin: germline. Affected: yes. Observed: 1 variant allele.
Comment: NECTIN1: BS2

Illumina Laboratory Services, Illumina
Classification: Uncertain significance for Cleft lip/palate-ectodermal dysplasia syndrome. Last evaluated: 2018-01-13. Review status: criteria provided, single submitter. Criteria: ICSL Variant Classification Criteria 13 December 2019. Collection method: clinical testing. Allele origin: germline.

Breakthrough Genomics
Classification: Uncertain significance. Review status: criteria provided, single submitter. Criteria: ACMG Guidelines, 2015. Collection method: not provided. Allele origin: germline. Inheritance: Autosomal recessive inheritance. Affected: yes.